The following is an entry in ClinVar:

ClinVar aggregate classification (germline): Uncertain significance (1 of 4 stars; one submission).

Allele frequency attached by ClinVar (database versions not stated): gnomAD exomes below 0.00001; TOPMed below 0.00001.
gnomAD v4.1: 2 of 1,614,062 alleles (0.00012%); highest among the groups gnomAD compares: Non-Finnish European, 0.00017%; no homozygotes.

Submission:

Ambry Genetics
Classification: Uncertain significance. Last evaluated: 2024-05-24. Review status: criteria provided, single submitter. Criteria: Ambry Variant Classification Scheme 2023. Collection method: clinical testing. Allele origin: germline.
Comment: The p.E411G variant (also known as c.1232A>G), located in coding exon 9 of the RINT1 gene, results from an A to G substitution at nucleotide position 1232. The glutamic acid at codon 411 is replaced by glycine, an amino acid with similar properties. This amino acid position is conserved. In addition, this alteration is predicted to be deleterious by in silico analysis. Since supporting evidence is limited at this time, the clinical significance of this alteration remains unclear.

NM_021930.6(RINT1):c.1232A>G (p.Glu411Gly)

Gene: RINT1 (RAD50 interactor 1; plus strand). Cytogenetic location: 7q22.3.
Variant type: single nucleotide variant.
Coding change: c.1232A>G on transcript NM_021930.6 (MANE Select); coding-DNA position 1232, A replaced by G.
Protein change: p.Glu411Gly; replaces glutamic acid 411 with glycine.
Molecular consequence: missense variant. On other transcripts: non-coding transcript variant (1).
Genome position (GRCh38, 1-based): chr7:105,550,385, A>G. VCF-style: chr7-105550385-A-G. GRCh37 (hg19) VCF-style: chr7-105190832-A-G.
Other names: c.998A>G, p.Glu333Gly (NM_001346599.2); c.209A>G, p.Glu70Gly (NM_001346600.2, NM_001346603.2); c.308A>G, p.Glu103Gly (NM_001346601.2); short protein forms E70G, E103G, E333G, E411G.
Identifiers: ClinVar variation 1755832 (VCV001755832.3), dbSNP rs764964962, ClinGen allele CA368809248.